The following is an entry in ClinVar:

NM_004104.5(FASN):c.2065G>A (p.Ala689Thr)

Gene: FASN (fatty acid synthase; minus strand). Cytogenetic location: 17q25.3.
Variant type: single nucleotide variant.
Coding change: c.2065G>A on transcript NM_004104.5 (MANE Select); coding-DNA position 2065, G replaced by A.
Protein change: p.Ala689Thr; replaces alanine 689 with threonine.
Molecular consequence: missense variant.
Genome position (GRCh38, 1-based): chr17:82,089,285, C>T on the plus strand (G>A on the coding strand, the complement: FASN is on the minus strand). VCF-style: chr17-82089285-C-T. GRCh37 (hg19) VCF-style: chr17-80047161-C-T.
Other names: short protein forms A689T.
Identifiers: ClinVar variation 1429883 (VCV001429883.8), dbSNP rs999063855, ClinGen allele CA295135046.

ClinVar aggregate classification (germline): Uncertain significance (1 of 4 stars; one submission).

Conditions:
Epileptic encephalopathy. Identifiers: MedGen C0543888, HP:0200134.

Allele frequency attached by ClinVar (database versions not stated): gnomAD exomes below 0.00001; TOPMed 0.00001.
gnomAD v4.1: 4 of 1,612,700 alleles (0.00025%); highest among the groups gnomAD compares: Non-Finnish European, 0.00025%; no homozygotes.

Submission:

Labcorp Genetics (formerly Invitae), Labcorp
Classification: Uncertain significance for Epileptic encephalopathy. Last evaluated: 2023-10-16. Review status: criteria provided, single submitter. Criteria: Invitae Variant Classification Sherloc (09022015). Collection method: clinical testing. Allele origin: germline.
Comment: This sequence change replaces alanine, which is neutral and non-polar, with threonine, which is neutral and polar, at codon 689 of the FASN protein (p.Ala689Thr). This variant is present in population databases (no rsID available, gnomAD 0.003%). This variant has not been reported in the literature in individuals affected with FASN-related conditions. ClinVar contains an entry for this variant (Variation ID: 1429883). An algorithm developed to predict the effect of missense changes on protein structure and function (PolyPhen-2) suggests that this variant is likely to be tolerated. In summary, the available evidence is currently insufficient to determine the role of this variant in disease. Therefore, it has been classified as a Variant of Uncertain Significance.